The following is an entry in ClinVar:

ClinVar aggregate classification (germline): Uncertain significance (1 of 4 stars; one submission).

gnomAD v4.1: 108 of 1,614,048 alleles (0.0067%); highest among the groups gnomAD compares: East Asian, 0.22%; no homozygotes.

Submission:

Women's Health and Genetics/Laboratory Corporation of America, LabCorp
Classification: Uncertain significance. Last evaluated: 2024-08-21. Review status: criteria provided, single submitter. Criteria: LabCorp Variant Classification Summary - May 2015. Collection method: clinical testing. Allele origin: germline.
Comment: Variant summary: DUSP6 c.563C>T (p.Pro188Leu) results in a non-conservative amino acid change in the encoded protein sequence. Three of five in-silico tools predict a benign effect of the variant on protein function. The variant allele was found at a frequency of 9.2e-05 in 251310 control chromosomes. This frequency is not significantly higher than estimated for a pathogenic variant in DUSP6 causing Hypogonadotropic Hypogonadism 19 With Or Without Anosmia, allowing no conclusion about variant significance. c.563C>T has been reported in the literature as a de novo change in an individual affected with Hypogonadotropic Hypogonadism 19 With Or Without Anosmia (Men_2021). These data do not allow any conclusion about variant significance. To our knowledge, no experimental evidence demonstrating an impact on protein function has been reported. The following publication have been ascertained in the context of this evaluation (PMID: 32389901). No submitters have cited clinical-significance assessments for this variant to ClinVar. Based on the evidence outlined above, the variant was classified as uncertain significance.

Literature cited by the submitters: PubMed 32389901.

NM_001946.4(DUSP6):c.563C>T (p.Pro188Leu)

Genes: DUSP6 (dual specificity phosphatase 6; minus strand), POC1B-DUSP6 (POC1B-DUSP6 readthrough; minus strand). Cytogenetic location: 12q21.33.
Variant type: single nucleotide variant.
Coding change: c.563C>T on transcript NM_001946.4 (MANE Select); coding-DNA position 563, C replaced by T.
Protein change: p.Pro188Leu; replaces proline 188 with leucine.
Molecular consequence: missense variant. On other transcripts: intron variant (1).
Genome position (GRCh38, 1-based): chr12:89,350,863, G>A on the plus strand (C>T on the coding strand, the complement: DUSP6 is on the minus strand). VCF-style: chr12-89350863-G-A. GRCh37 (hg19) VCF-style: chr12-89744640-G-A.
Other names: c.400+777C>T (NM_022652.4); short protein forms P188L.
Identifiers: ClinVar variation 3366696 (VCV003366696.1).